The following is an entry in ClinVar:

ClinVar aggregate classification (germline): Uncertain significance (1 of 4 stars; one submission).

Allele frequency attached by ClinVar (database versions not stated): gnomAD exomes below 0.00001.
gnomAD v4.1: 1 of 1,613,900 alleles (0.000062%); highest among the groups gnomAD compares: Non-Finnish European, 0.000085%; no homozygotes.

Submission:

Labcorp Genetics (formerly Invitae), Labcorp
Classification: Uncertain significance. Last evaluated: 2023-11-07. Review status: criteria provided, single submitter. Criteria: Invitae Variant Classification Sherloc (09022015). Collection method: clinical testing. Allele origin: germline.
Comment: This sequence change replaces threonine, which is neutral and polar, with alanine, which is neutral and non-polar, at codon 504 of the C1S protein (p.Thr504Ala). This variant is not present in population databases (gnomAD no frequency). This variant has not been reported in the literature in individuals affected with C1S-related conditions. Advanced modeling of protein sequence and biophysical properties (such as structural, functional, and spatial information, amino acid conservation, physicochemical variation, residue mobility, and thermodynamic stability) performed at Invitae indicates that this missense variant is not expected to disrupt C1S protein function with a negative predictive value of 80%. In summary, the available evidence is currently insufficient to determine the role of this variant in disease. Therefore, it has been classified as a Variant of Uncertain Significance.

NM_001734.5(C1S):c.1510A>G (p.Thr504Ala)

Gene: C1S (complement C1s; plus strand). Cytogenetic location: 12p13.31.
Variant type: single nucleotide variant.
Coding change: c.1510A>G on transcript NM_001734.5 (MANE Select); coding-DNA position 1510, A replaced by G.
Protein change: p.Thr504Ala; replaces threonine 504 with alanine.
Molecular consequence: missense variant.
Genome position (GRCh38, 1-based): chr12:7,070,094, A>G. VCF-style: chr12-7070094-A-G. GRCh37 (hg19) VCF-style: chr12-7177398-A-G.
Other names: c.1510A>G, p.Thr504Ala (NM_201442.4); c.1009A>G, p.Thr337Ala (NM_001346850.2); short protein forms T337A, T504A.
Identifiers: ClinVar variation 2979532 (VCV002979532.3), dbSNP rs1023568577, ClinGen allele CA232457026.
Genomic context (GRCh38, chr12:7,070,094, plus strand): 5'-ACAATGTATGTTGGGTCCACCTCAGTGCAGACCTCACGGCTGGCAAAATCCAAGATGCTC[A>G]CTCCTGAGCATGTGTTTATTCATCCGGGATGGAAGCTGCTGGAAGTCCCAGAAGGACGAA-3'
Protein context (NP_001725.1, residues 494-514): TSRLAKSKML[Thr504Ala]PEHVFIHPGW